The following is an entry in ClinVar:

NM_000245.4(MET):c.1356A>T (p.Ile452=)

Gene: MET (MET proto-oncogene, receptor tyrosine kinase; plus strand). Cytogenetic location: 7q31.2.
Variant type: single nucleotide variant.
Coding change: c.1356A>T on transcript NM_000245.4 (MANE Select); coding-DNA position 1356, A replaced by T.
Protein change: p.Ile452=; no amino-acid change (isoleucine 452 retained).
Molecular consequence: synonymous variant.
Genome position (GRCh38, 1-based): chr7:116,731,823, A>T. VCF-style: chr7-116731823-A-T. GRCh37 (hg19) VCF-style: chr7-116371877-A-T.
Other names: c.1356A>T, p.Ile452= (NM_001127500.3, NM_001324401.3); c.66A>T, p.Ile22= (NM_001324402.2).
Identifiers: ClinVar variation 3773492 (VCV003773492.1).

ClinVar aggregate classification (germline): Benign (1 of 4 stars; one submission).

Conditions:
Papillary renal cell carcinoma type 1 (RCCP1). Also called: RENAL CELL CARCINOMA, PAPILLARY, 1, SOMATIC; Renal adenocarcinoma; Renal cell carcinoma 1; Renal cell carcinoma, somatic. Identifiers: Orphanet 47044, MedGen C1336839, OMIM 605074, HP:0011797.

Submission:

Myriad Genetics, Inc.
Classification: Benign for Papillary renal cell carcinoma type 1. Last evaluated: 2024-11-07. Review status: criteria provided, single submitter. Criteria: Myriad Autosomal Dominant, Autosomal Recessive and X-Linked Classification Criteria (2023). Collection method: clinical testing. Allele origin: unknown.
Comment: This variant is considered benign. This variant is a silent/synonymous amino acid change and it is not expected to impact splicing.